The following is an entry in ClinVar:

ClinVar aggregate classification (germline): Pathogenic (1 of 4 stars; one submission).

Conditions:
Hypertrophic cardiomyopathy 1 (CMH1). Also called: Familial hypertrophic cardiomyopathy 1; MYH7-Related Familial Hypertrophic Cardiomyopathy. Identifiers: MedGen C3495498, MONDO:0008647, OMIM 192600.

Submission:

3billion
Classification: Pathogenic for Hypertrophic cardiomyopathy 1. Last evaluated: 2025-01-22. Review status: criteria provided, single submitter. Criteria: ACMG Guidelines, 2015. Collection method: clinical testing. Allele origin: germline. Affected: yes.
Comment: The variant is not observed in the gnomAD v4.1.0 dataset. Predicted Consequence/Location: The variant is located in a mutational hot spot and/or well-established functional domain in which established pathogenic variants have been reported (PMID: 29300372). In silico tool predictions suggest damaging effect of the variant on gene or gene product [REVEL: 0.71 (>=0.6, sensitivity 0.68 and specificity 0.92); 3Cnet: 0.98 (>=0.6, sensitivity 0.72 and precision 0.9)]. The same nucleotide change resulting in the same amino acid change has been previously reported as pathogenic/likely pathogenic with strong evidence (ClinVar ID: VCV001687316 /PMID: 32380161 /3billion dataset). Different missense changes at the same codon (p.Lys450Glu, p.Lys450Thr) have been reported to be associated with MYH7-related disorder (PMID: 10065021, 15563892). Therefore, this variant is classified as Pathogenic according to the recommendation of ACMG/AMP guideline.

Literature cited by the submitters: PubMed 32380161; PubMed 10065021.

NM_000257.4(MYH7):c.1350G>T (p.Lys450Asn)

Gene: MYH7 (myosin heavy chain 7; minus strand). Cytogenetic location: 14q11.2.
Variant type: single nucleotide variant.
Coding change: c.1350G>T on transcript NM_000257.4 (MANE Select); coding-DNA position 1350, G replaced by T.
Protein change: p.Lys450Asn; replaces lysine 450 with asparagine.
Molecular consequence: missense variant.
Genome position (GRCh38, 1-based): chr14:23,429,012, C>A on the plus strand (G>T on the coding strand, the complement: MYH7 is on the minus strand). VCF-style: chr14-23429012-C-A. GRCh37 (hg19) VCF-style: chr14-23898221-C-A.
Other names: short protein forms K450N.
Identifiers: ClinVar variation 1687316 (VCV001687316.4), dbSNP rs1555338319, ClinGen allele CA389050809.
Genomic context (GRCh38, chr14:23,429,012, plus strand): 5'-CACATCGAAGATCTCGAAGCCAGCGATGTCCAGGACTCCTATGAAGTACTGGCGTGGCTG[C>A]TTGGTCTCCAGGGTGGCATTGATGCGCGTCACCATCCAGTTGAACATCCTCTCATACACT-3'
Protein context (NP_000248.2, residues 440-460): VTRINATLET[Lys450Asn]QPRQYFIGVL